The following is an entry in ClinVar:

ClinVar aggregate classification (germline): Likely pathogenic (1 of 4 stars; one submission).

Conditions:
Cataract 5 multiple types (CTRCT5). Also called: CATARACT, MARNER TYPE; CATARACT 5, LAMELLAR; Lamellar cataract. Identifiers: Orphanet 91492, MedGen C0266537, MONDO:0007290, OMIM 116800, HP:0007971.

Allele frequency attached by ClinVar (database versions not stated): gnomAD exomes 0.00001 and 0.00002.
gnomAD v4.1: 5 of 1,613,522 alleles (0.00031%); highest among the groups gnomAD compares: Admixed American, 0.0083%; no homozygotes.

Submission:

Labcorp Genetics (formerly Invitae), Labcorp
Classification: Likely pathogenic for Cataract 5 multiple types. Last evaluated: 2020-03-06. Review status: criteria provided, single submitter. Criteria: Invitae Variant Classification Sherloc (09022015). Collection method: clinical testing. Allele origin: germline.
Comment: This sequence change affects an acceptor splice site in intron 13 of the HSF4 gene. It is expected to disrupt RNA splicing and likely results in an absent or disrupted protein product. This variant is not present in population databases (ExAC no frequency). This variant has not been reported in the literature in individuals with HSF4-related conditions. ClinVar contains an entry for this variant (Variation ID: 459607). Donor and acceptor splice site variants typically lead to a loss of protein function (PMID: 16199547), and loss-of-function variants in HSF4 are known to be pathogenic (PMID: 15959809). In summary, the currently available evidence indicates that the variant is pathogenic, but additional data are needed to prove that conclusively. Therefore, this variant has been classified as Likely Pathogenic.

Literature cited by the submitters: PubMed 16199547; PubMed 15959809.

NM_001374675.1(HSF4):c.1255-2A>G

Gene: HSF4 (heat shock transcription factor 4; plus strand). Cytogenetic location: 16q22.1.
Variant type: single nucleotide variant.
Coding change: c.1255-2A>G on transcript NM_001374675.1 (MANE Select); the canonical splice acceptor site of the intron before coding-DNA position 1255, A replaced by G.
Molecular consequence: splice acceptor variant.
Genome position (GRCh38, 1-based): chr16:67,169,277, A>G. VCF-style: chr16-67169277-A-G. GRCh37 (hg19) VCF-style: chr16-67203180-A-G.
Other names: c.1165-2A>G (NM_001538.4, NM_001374674.1); c.1255-2A>G (NM_001040667.3).
Identifiers: ClinVar variation 459607 (VCV000459607.9), dbSNP rs1456161420, ClinGen allele CA396275982.